The following is an entry in ClinVar:

NM_000179.3(MSH6):c.496_497insTTTTTTTTTTTTTTTTTTTTTTTTTTTTTTTTCTTTTTTTTTTTATTTTTTATTTTAAGGGAGGTCATTTTT (p.Phe165_Tyr166insPhePhePhePhePhePhePhePhePhePhePheLeuPhePhePheIlePheTyrPheLysGlyGlyHisPhe)

Gene: MSH6 (mutS homolog 6; plus strand). Cytogenetic location: 2p16.3.
Variant type: Insertion.
Coding change: c.496_497insTTTTTTTTTTTTTTTTTTTTTTTTTTTTTTTTCTTTTTTTTTTTATTTTTTATTTTAAGGGAGGTCATTTTT on transcript NM_000179.3 (MANE Select); coding-DNA positions 496 to 497, TTTTTTTTTTTTTTTTTTTTTTTTTTTTTTTTCTTTTTTTTTTTATTTTTTATTTTAAGGGAGGTCATTTTT inserted.
Protein change: p.Phe165_Tyr166insPhePhePhePhePhePhePhePhePhePhePheLeuPhePhePheIlePheTyrPheLysGlyGlyHisPhe.
Molecular consequence: inframe insertion. On other transcripts: 5 prime UTR variant (5), non-coding transcript variant (5), intron variant (8).
Genome position: GRCh38: chr2:47,795,932-47,795,933. GRCh37 (hg19): chr2:48,023,071-48,023,072.
Other names: c.-407_-406insTTTTTTTTTTTTTTTTTTTTTTTTTTTTTTTTCTTTTTTTTTTTATTTTTTATTTTAAGGGAGGTCATTTTT (NM_001281494.2); c.592_593insTTTTTTTTTTTTTTTTTTTTTTTTTTTTTTTTCTTTTTTTTTTTATTTTTTATTTTAAGGGAGGTCATTTTT, p.Phe197_Tyr198insPhePhePhePhePhePhePhePhePhePhePheLeuPhePhePheIlePheTyrPheLysGlyGlyHisPhe (NM_001406795.1, NM_001406802.1); c.496_497insTTTTTTTTTTTTTTTTTTTTTTTTTTTTTTTTCTTTTTTTTTTTATTTTTTATTTTAAGGGAGGTCATTTTT, p.Phe165_Tyr166insPhePhePhePhePhePhePhePhePhePhePheLeuPhePhePheIlePheTyrPheLysGlyGlyHisPhe (NM_001406796.1, NM_001406798.1, NM_001406800.1 and 5 more transcripts); c.199_200insTTTTTTTTTTTTTTTTTTTTTTTTTTTTTTTTCTTTTTTTTTTTATTTTTTATTTTAAGGGAGGTCATTTTT, p.Phe66_Tyr67insPhePhePhePhePhePhePhePhePhePhePheLeuPhePhePheIlePheTyrPheLysGlyGlyHisPhe (NM_001406797.1, NM_001406801.1, NM_001406805.1 and 10 more transcripts); c.-30_-29insTTTTTTTTTTTTTTTTTTTTTTTTTTTTTTTTCTTTTTTTTTTTATTTTTTATTTTAAGGGAGGTCATTTTT (NM_001406799.1, NM_001406806.1, NM_001406807.1); c.418_419insTTTTTTTTTTTTTTTTTTTTTTTTTTTTTTTTCTTTTTTTTTTTATTTTTTATTTTAAGGGAGGTCATTTTT, p.Phe139_Tyr140insPhePhePhePhePhePhePhePhePhePhePheLeuPhePhePheIlePheTyrPheLysGlyGlyHisPhe (NM_001406804.1); c.502_503insTTTTTTTTTTTTTTTTTTTTTTTTTTTTTTTTCTTTTTTTTTTTATTTTTTATTTTAAGGGAGGTCATTTTT, p.Phe167_Tyr168insPhePhePhePhePhePhePhePhePhePhePheLeuPhePhePheIlePheTyrPheLysGlyGlyHisPhe (NM_001406813.1); c.-499_-498insTTTTTTTTTTTTTTTTTTTTTTTTTTTTTTTTCTTTTTTTTTTTATTTTTTATTTTAAGGGAGGTCATTTTT (NM_001406814.1); and 3 more.
Identifiers: ClinVar variation 2816089 (VCV002816089.3), dbSNP rs2530516217, ClinGen allele CA2739274434.

ClinVar aggregate classification (germline): Uncertain significance (1 of 4 stars; one submission).

Conditions:
Hereditary nonpolyposis colorectal neoplasms. Identifiers: MedGen C0009405, MeSH D003123.

Submission:

Labcorp Genetics (formerly Invitae), Labcorp
Classification: Uncertain significance for Hereditary nonpolyposis colorectal neoplasms. Last evaluated: 2025-10-01. Review status: criteria provided, single submitter. Criteria: Invitae Variant Classification Sherloc (09022015). Collection method: clinical testing. Allele origin: germline.
Comment: This variant, c.496_497ins72, results in the insertion of 24 amino acid(s) of the MSH6 protein (p.Phe165_Tyr166ins24), but otherwise preserves the integrity of the reading frame. This variant is not present in population databases (gnomAD no frequency). This variant has not been reported in the literature in individuals affected with MSH6-related conditions. ClinVar contains an entry for this variant (Variation ID: 2816089). In summary, the available evidence is currently insufficient to determine the role of this variant in disease. Therefore, it has been classified as a Variant of Uncertain Significance.